The following is an entry in ClinVar:

NC_000009.11:g.(?_119461613)_(119523251_?)del

Genes: ASTN2 (astrotactin 2; minus strand), TRIM32 (tripartite motif containing 32; plus strand). Cytogenetic location: 9q33.1.
Variant type: Deletion.
Identifiers: ClinVar variation 2425778 (VCV002425778.4).

ClinVar aggregate classification (germline): Pathogenic (1 of 4 stars; one submission).

Conditions:
Bardet-Biedl syndrome (BBS). Identifiers: Orphanet 110, MedGen C0752166, MONDO:0015229.

Submission:

Labcorp Genetics (formerly Invitae), Labcorp
Classification: Pathogenic for Bardet-Biedl syndrome. Last evaluated: 2022-08-05. Review status: criteria provided, single submitter. Criteria: Invitae Variant Classification Sherloc (09022015). Collection method: clinical testing. Allele origin: germline.
Comment: For these reasons, this variant has been classified as Pathogenic. This variant disrupts a region of the TRIM32 protein in which other variant(s) (p.Val591Met) have been determined to be pathogenic (PMID: 30823891). This suggests that this is a clinically significant region of the protein, and that variants that disrupt it are likely to be disease-causing. This variant has not been reported in the literature in individuals affected with TRIM32-related conditions. This variant results in the deletion of part of exon 2 (c.1594_*61270del) of the TRIM32 gene. While this deletion is not anticipated to lead to nonsense mediated decay, it is expected to alter mRNA translation or result in a truncated protein product.

Literature cited by the submitters: PubMed 30823891.